The following is an entry in ClinVar:

ClinVar aggregate classification (germline): Uncertain significance (1 of 4 stars; one submission).

Conditions:
Inborn genetic diseases. Identifiers: MedGen C0950123, MeSH D030342.

gnomAD v4.1: 3 of 1,131,571 alleles (0.00027%); highest among the groups gnomAD compares: East Asian, 0.0035%; no homozygotes.

Submission:

Ambry Genetics
Classification: Uncertain significance for Inborn genetic diseases. Last evaluated: 2018-09-24. Review status: criteria provided, single submitter. Criteria: Ambry Variant Classification Scheme 2023. Collection method: clinical testing. Allele origin: germline.
Comment: formerly reported from HGMD as NM_181303 c.484C>T

NM_181303.2(NLGN3):c.484C>T (p.Arg162Ter)

Gene: NLGN3 (neuroligin 3; plus strand). Cytogenetic location: Xq13.1.
Variant type: single nucleotide variant.
Coding change: c.484C>T on transcript NM_181303.2 (MANE Select); coding-DNA position 484, C replaced by T.
Protein change: p.Arg162Ter; replaces arginine 162 with a stop codon.
Molecular consequence: nonsense. On other transcripts: intron variant (3).
Genome position (GRCh38, 1-based): chrX:71,148,872, C>T. VCF-style: chrX-71148872-C-T. GRCh37 (hg19) VCF-style: chrX-70368722-C-T.
Other names: c.457+666C>T (NM_018977.4, NM_001166660.2); c.106+666C>T (NM_001321276.2); short protein forms R162*.
Identifiers: ClinVar variation 3227218 (VCV003227218.1), dbSNP rs1314474541, ClinGen allele CA413549536.